The following is an entry in ClinVar:

NM_005560.6(LAMA5):c.7059G>A (p.Gln2353=)

Gene: LAMA5 (laminin subunit alpha 5; minus strand). Cytogenetic location: 20q13.33.
Variant type: single nucleotide variant.
Coding change: c.7059G>A on transcript NM_005560.6 (MANE Select); coding-DNA position 7059, G replaced by A.
Protein change: p.Gln2353=; no amino-acid change (glutamine 2353 retained).
Molecular consequence: synonymous variant.
Genome position (GRCh38, 1-based): chr20:62,318,634, C>T on the plus strand (G>A on the coding strand, the complement: LAMA5 is on the minus strand). VCF-style: chr20-62318634-C-T. GRCh37 (hg19) VCF-style: chr20-60893690-C-T.
Other names: p.Gln2353=.
Identifiers: ClinVar variation 712412 (VCV000712412.52), dbSNP rs144109924, ClinGen allele CA9941437.
Genomic context (GRCh38, chr20:62,318,634, plus strand): 5'-CCGGTCGCGGGTTTGTGTGGCCAGTGCCTGGTTCTCCTCCCAGAGGCTGCTCAGCTGCTC[C>T]TGCACCCGGGCCAGCACTAGCCGAGACCAGGGTGAGGGTGGTCACTCTGGAAGCCAGGCC-3'
Protein context (NP_005551.3, residues 2343-2363): AAAQRLLARV[Gln2353=]EQLSSLWEEN

ClinVar aggregate classification (germline): Benign/Likely benign. Review status: criteria provided, multiple submitters, no conflicts (2 of 4 stars). 5 submissions from 5 submitters: Benign (2); Likely benign (2). 1 of the submissions does not count toward it. Last evaluated 2026-08-01.

Conditions:
LAMA5-related disorder. Also called: LAMA5-Related Disorders; LAMA5-related condition.

Allele frequency attached by ClinVar (database versions not stated): 1000 Genomes Project 30x 0.00281; 1000 Genomes Project 0.00300; gnomAD exomes 0.00461 and 0.00732; ESP Exome Variant Server 0.00466; ExAC 0.00471; gnomAD 0.00477 and 0.00492; TOPMed 0.00506.
gnomAD v4.1: 11,321 of 1,610,452 alleles (0.7%); highest among the groups gnomAD compares: Non-Finnish European, 0.85%; 45 homozygotes.

Submissions (5):

CeGaT Center for Human Genetics Tuebingen
Classification: Likely benign. Last evaluated: 2026-08-01. Review status: criteria provided, single submitter. Criteria: CeGaT Center For Human Genetics Tuebingen Variant Classification Criteria Version 2. Collection method: clinical testing. Allele origin: germline. Affected: yes. Observed: 5 variant alleles.
Comment: LAMA5: BP4, BP7, BS2

Labcorp Genetics (formerly Invitae), Labcorp
Classification: Benign. Last evaluated: 2025-12-20. Review status: criteria provided, single submitter. Criteria: Invitae Variant Classification Sherloc (09022015). Collection method: clinical testing. Allele origin: germline.

Mayo Clinic Laboratories, Mayo Clinic
Classification: Benign. Last evaluated: 2023-04-26. Review status: criteria provided, single submitter. Criteria: ACMG Guidelines, 2015. Collection method: clinical testing. Allele origin: germline. Observed: 2 variant alleles.
Comment: BS1, BS2, BP4, BP7

Breakthrough Genomics
Classification: Likely benign. Review status: criteria provided, single submitter. Criteria: ACMG Guidelines, 2015. Collection method: not provided. Allele origin: germline. Inheritance: Autosomal recessive inheritance. Affected: yes.

PreventionGenetics, part of Exact Sciences
Classification: Benign for LAMA5-related condition. Last evaluated: 2019-07-01. Review status: no assertion criteria provided. Collection method: clinical testing. Allele origin: germline. Not counted in ClinVar's aggregate classification.
Comment: This variant is classified as benign based on ACMG/AMP sequence variant interpretation guidelines (Richards et al. 2015 PMID: 25741868, with internal and published modifications).